The following is an entry in ClinVar:

NM_032485.6(MCM8):c.1305C>T (p.Tyr435=)

Gene: MCM8 (minichromosome maintenance 8 homologous recombination repair factor; plus strand). Cytogenetic location: 20p12.3.
Variant type: single nucleotide variant.
Coding change: c.1305C>T on transcript NM_032485.6 (MANE Select); coding-DNA position 1305, C replaced by T.
Protein change: p.Tyr435=; no amino-acid change (tyrosine 435 retained).
Molecular consequence: synonymous variant. On other transcripts: intron variant (1).
Genome position (GRCh38, 1-based): chr20:5,973,106, C>T. VCF-style: chr20-5973106-C-T. GRCh37 (hg19) VCF-style: chr20-5953752-C-T.
Other names: c.1305C>T, p.Tyr435= (NM_001281520.2); c.1425C>T, p.Tyr475= (NM_001281521.2); c.1257C>T, p.Tyr419= (NM_182802.3); c.1254+1069C>T (NM_001281522.2).
Identifiers: ClinVar variation 4987630 (VCV004987630.1).

ClinVar aggregate classification (germline): Likely benign (1 of 4 stars; one submission).

Conditions:
MCM8-related disorder. Also called: MCM8-related condition.

gnomAD v4.1: 1,546 of 1,614,152 alleles (0.096%); highest among the groups gnomAD compares: South Asian, 1.6%; 26 homozygotes.

Submission:

PreventionGenetics, part of Exact Sciences
Classification: Likely benign for MCM8-related condition. Last evaluated: 2024-12-11. Review status: criteria provided, single submitter. Criteria: ACMG Guidelines, 2015. Collection method: clinical testing. Allele origin: germline.
Comment: This variant is classified as likely benign based on ACMG/AMP sequence variant interpretation guidelines (Richards et al. 2015 PMID: 25741868, with internal and published modifications).